The following is an entry in ClinVar:

NM_000052.7(ATP7A):c.2407G>A (p.Gly803Ser)

Gene: ATP7A (ATPase copper transporting alpha; plus strand). Cytogenetic location: Xq21.1.
Variant type: single nucleotide variant.
Coding change: c.2407G>A on transcript NM_000052.7 (MANE Select); coding-DNA position 2407, G replaced by A.
Protein change: p.Gly803Ser; replaces glycine 803 with serine.
Molecular consequence: missense variant.
Genome position (GRCh38, 1-based): chrX:78,014,662, G>A. VCF-style: chrX-78014662-G-A. GRCh37 (hg19) VCF-style: chrX-77270159-G-A.
Other names: c.2173G>A, p.Gly725Ser (NM_001282224.2); short protein forms G725S, G803S.
Identifiers: ClinVar variation 2938277 (VCV002938277.3), dbSNP rs2522358780, ClinGen allele CA413599765.
Genomic context (GRCh38, chrX:78,014,662, plus strand): 5'-TAGTTAAGACCTGAACTTTTTCTTCCTTAGCATTTTCAATGTGTTTGTTTTAATTTATAG[G>A]GCAAAACATCAGAGGCTCTTGCAAAGTTAATTTCACTACAAGCTACAGAAGCAACTATTG-3'
Protein context (NP_000043.4, residues 793-813): LGRWLEHIAK[Gly803Ser]KTSEALAKLI

ClinVar aggregate classification (germline): Uncertain significance (1 of 4 stars; one submission).

Conditions:
Menkes kinky-hair syndrome (MNK). Also called: Copper transport disease; Menkes Disease; Classic Menkes Disease. Identifiers: Orphanet 565, MedGen C0022716, MONDO:0010651, OMIM 309400.
Cutis laxa, X-linked (OHS). Also called: EDS IX; Occipital horn syndrome. Identifiers: Orphanet 198, MedGen C0268353, MONDO:0010572, OMIM 304150.
X-linked distal spinal muscular atrophy type 3. Also called: ATP7A-Related Distal Motor Neuropathy; SPINAL MUSCULAR ATROPHY, DISTAL, X-LINKED RECESSIVE; NEURONOPATHY, DISTAL HEREDITARY MOTOR, X-LINKED; NEUROPATHY, DISTAL HEREDITARY MOTOR, X-LINKED. Identifiers: Orphanet 139557, MedGen C1845359, MONDO:0010338, OMIM 300489.

Submission:

Labcorp Genetics (formerly Invitae), Labcorp
Classification: Uncertain significance for X-linked distal spinal muscular atrophy type 3; Cutis laxa, X-linked; Menkes kinky-hair syndrome. Last evaluated: 2023-01-12. Review status: criteria provided, single submitter. Criteria: Invitae Variant Classification Sherloc (09022015). Collection method: clinical testing. Allele origin: germline.
Comment: In summary, the available evidence is currently insufficient to determine the role of this variant in disease. Therefore, it has been classified as a Variant of Uncertain Significance. Algorithms developed to predict the effect of missense changes on protein structure and function are either unavailable or do not agree on the potential impact of this missense change (SIFT: "Tolerated"; PolyPhen-2: "Possibly Damaging"; Align-GVGD: "Class C0"). This variant has not been reported in the literature in individuals affected with ATP7A-related conditions. This variant is not present in population databases (gnomAD no frequency). This sequence change replaces glycine, which is neutral and non-polar, with serine, which is neutral and polar, at codon 803 of the ATP7A protein (p.Gly803Ser).